The following is an entry in ClinVar:

ClinVar aggregate classification (germline): Uncertain significance (1 of 4 stars; one submission).

Conditions:
Weiss-Kruszka syndrome. Also called: Metopic ridging-ptosis-facial dysmorphism syndrome. Identifiers: Orphanet 502430, MedGen C5568107, MONDO:0032836, OMIM 618619.

Submission:

Laboratorio de Genetica e Diagnostico Molecular, Hospital Israelita Albert Einstein
Classification: Uncertain significance for Weiss-Kruszka syndrome. Last evaluated: 2024-10-28. Review status: criteria provided, single submitter. Criteria: ACMG Guidelines, 2015. Collection method: clinical testing. Allele origin: germline. Affected: yes.
Comment: ACMG classification criteria: PM2 supporting

NM_021224.6(ZNF462):c.3893T>C (p.Ile1298Thr)

Gene: ZNF462 (zinc finger protein 462; plus strand). Cytogenetic location: 9q31.2.
Variant type: single nucleotide variant.
Coding change: c.3893T>C on transcript NM_021224.6 (MANE Select); coding-DNA position 3893, T replaced by C.
Protein change: p.Ile1298Thr; replaces isoleucine 1298 with threonine.
Molecular consequence: missense variant. On other transcripts: intron variant (1).
Genome position (GRCh38, 1-based): chr9:106,927,805, T>C. VCF-style: chr9-106927805-T-C. GRCh37 (hg19) VCF-style: chr9-109690086-T-C.
Other names: c.3252+641T>C (NM_001347997.2); short protein forms I1298T.
Identifiers: ClinVar variation 4076357 (VCV004076357.1).